The following is an entry in ClinVar:

ClinVar aggregate classification (germline): Uncertain significance (1 of 4 stars; one submission).

Conditions:
Developmental and epileptic encephalopathy, 59. Also called: Early infantile epileptic encephalopathy 59. Identifiers: MedGen C4693550, MONDO:0033368, OMIM 617904.

Submission:

Neuberg Centre For Genomic Medicine, NCGM
Classification: Uncertain significance for Developmental and epileptic encephalopathy, 59. Last evaluated: 2024-02-01. Review status: criteria provided, single submitter. Criteria: ACMG Guidelines, 2015. Collection method: clinical testing. Allele origin: germline. Inheritance: Autosomal dominant inheritance.
Comment: This variant in GABBR2 has not been reported previously as a pathogenic variant nor as a benign variant, to our knowledge. However this variant is at splice site, additional functional studies is required to prove the pathogenicity of this variant.

NM_005458.8(GABBR2):c.1895C>A (p.Pro632Gln)

Gene: GABBR2 (gamma-aminobutyric acid type B receptor subunit 2; minus strand). Cytogenetic location: 9q22.33.
Variant type: single nucleotide variant.
Coding change: c.1895C>A on transcript NM_005458.8 (MANE Select); coding-DNA position 1895, C replaced by A.
Protein change: p.Pro632Gln; replaces proline 632 with glutamine.
Molecular consequence: missense variant.
Genome position (GRCh38, 1-based): chr9:98,311,204, G>T on the plus strand (C>A on the coding strand, the complement: GABBR2 is on the minus strand). VCF-style: chr9-98311204-G-T. GRCh37 (hg19) VCF-style: chr9-101073486-G-T.
Other names: short protein forms P632Q.
Identifiers: ClinVar variation 3898039 (VCV003898039.1).